The following is an entry in ClinVar:

ClinVar aggregate classification (germline): Pathogenic. Review status: criteria provided, multiple submitters, no conflicts (2 of 4 stars). 8 submissions from 8 submitters: Pathogenic (7). 1 of the submissions does not count toward it. Last evaluated 2025-01-06.

Conditions:
APC-related disorder. Also called: APC-related condition.
Hereditary cancer-predisposing syndrome. Also called: Tumor predisposition; Neoplastic Syndromes, Hereditary; Hereditary neoplastic syndrome; Hereditary Cancer Syndrome. Identifiers: Orphanet 140162, MedGen C0027672, MeSH D009386, MONDO:0015356.
Familial multiple polyposis syndrome (FAP). Also called: Classic familial adenomatous polyposis; Familial polyposis; Familial Adenomatous Polyposis (FAP); Familial adenomatous polyposis; Familial intestinal polyposis. Identifiers: Orphanet 733, MedGen C0032580, MONDO:0021055. Disease mechanism: loss of function.
Familial adenomatous polyposis 1 (FAP1). Also called: FAMILIAL ADENOMATOUS POLYPOSIS 1, ATTENUATED; POLYPOSIS, ADENOMATOUS INTESTINAL. Identifiers: MedGen C2713442, MONDO:0021056, OMIM 175100. Disease mechanism: loss of function.

Submissions (8):

Women's Health and Genetics/Laboratory Corporation of America, LabCorp
Classification: Pathogenic for Familial multiple polyposis syndrome. Last evaluated: 2025-01-06. Review status: criteria provided, single submitter. Criteria: LabCorp Variant Classification Summary - May 2015. Collection method: clinical testing. Allele origin: germline.
Comment: Variant summary: APC c.896_897delCT (p.Ser299CysfsX27) results in a premature termination codon, predicted to cause a truncation of the encoded protein or absence of the protein due to nonsense mediated decay, which are commonly known mechanisms for disease. The variant was absent in 251118 control chromosomes. c.896_897delCT has been reported in the literature in multiple individuals affected with Familial Adenomatous Polyposis (example: Cao_2006). These data indicate that the variant is very likely to be associated with disease.The following publication has been ascertained in the context of this evaluation (PMID: 17026565). ClinVar contains an entry for this variant (Variation ID: 42251). Based on the evidence outlined above, the variant was classified as pathogenic.

GeneDx
Classification: Pathogenic. Last evaluated: 2024-07-29. Review status: criteria provided, single submitter. Criteria: GeneDx Variant Classification Process June 2021. Collection method: clinical testing. Allele origin: germline. Affected: yes.
Comment: Frameshift variant predicted to result in protein truncation or nonsense mediated decay in a gene for which loss of function is a known mechanism of disease; Not observed at significant frequency in large population cohorts (gnomAD); This variant is associated with the following publications: (PMID: 8118461, 8187091, 34454113, 17604324)

Labcorp Genetics (formerly Invitae), Labcorp
Classification: Pathogenic for Familial adenomatous polyposis 1. Last evaluated: 2024-03-04. Review status: criteria provided, single submitter. Criteria: Invitae Variant Classification Sherloc (09022015). Collection method: clinical testing. Allele origin: germline.
Comment: This sequence change creates a premature translational stop signal (p.Ser299Cysfs*27) in the APC gene. It is expected to result in an absent or disrupted protein product. Loss-of-function variants in APC are known to be pathogenic (PMID: 17963004, 20685668). This variant is not present in population databases (gnomAD no frequency). This premature translational stop signal has been observed in individual(s) with familial adenomatous polyposis (PMID: 8118461, 17604324). It has also been observed to segregate with disease in related individuals. ClinVar contains an entry for this variant (Variation ID: 42251). For these reasons, this variant has been classified as Pathogenic.

Myriad Genetics, Inc.
Classification: Pathogenic for Familial adenomatous polyposis 1. Last evaluated: 2023-04-27. Review status: criteria provided, single submitter. Criteria: Myriad Autosomal Dominant, Autosomal Recessive and X-Linked Classification Criteria (2023). Collection method: clinical testing. Allele origin: unknown.
Comment: This variant is considered pathogenic. This variant creates a frameshift predicted to result in premature protein truncation.

Ambry Genetics
Classification: Pathogenic for Hereditary cancer-predisposing syndrome. Last evaluated: 2021-07-13. Review status: criteria provided, single submitter. Criteria: Ambry Variant Classification Scheme 2023. Collection method: clinical testing. Allele origin: germline.
Comment: The c.896_897delCT pathogenic mutation, located in coding exon 8 of the APC gene, results from a deletion of two nucleotides at nucleotide positions 896 to 897, causing a translational frameshift with a predicted alternate stop codon (p.S299Cfs*27). This mutation has been reported in multiple familial adenomatous polyposis (FAP) families (Koorey DJ et al. Hum. Mutat., 1994;3:12-8; Hes FJ et al. Gut, 2008 Jan;57:71-6; Ambry internal data). In addition to the clinical data presented in the literature, this alteration is expected to result in loss of function by premature protein truncation or nonsense-mediated mRNA decay. As such, this alteration is interpreted as a disease-causing mutation.

Blueprint Genetics
Classification: Pathogenic for APC-related disorders. Last evaluated: 2020-03-11. Review status: criteria provided, single submitter. Criteria: ACMG Guidelines, 2015. Collection method: clinical testing. Allele origin: germline. Affected: yes. Observed: 1 variant allele.

Quest Diagnostics Nichols Institute San Juan Capistrano
Classification: Pathogenic. Last evaluated: 2018-02-21. Review status: criteria provided, single submitter. Criteria: Quest Diagnostics criteria. Collection method: clinical testing. Allele origin: germline.

Laboratory for Molecular Medicine, Mass General Brigham Personalized Medicine
Classification: Pathogenic for Familial multiple polyposis syndrome. Last evaluated: 2009-04-08. Review status: no assertion criteria provided. Collection method: clinical testing. Allele origin: germline. Observed: 1 variant allele. Not counted in ClinVar's aggregate classification.

Literature cited by the submitters: PubMed 17026565 (cited by Women's Health and Genetics/Laboratory Corporation of America, LabCorp); PubMed 17963004 (cited by Labcorp Genetics (formerly Invitae), Labcorp); PubMed 20685668 (cited by Labcorp Genetics (formerly Invitae), Labcorp); PubMed 8118461 (cited by 3 submitters); PubMed 17604324 (cited by 3 submitters); PubMed 8187091 (cited by Laboratory for Molecular Medicine, Mass General Brigham Personalized Medicine).

NM_000038.6(APC):c.896_897del (p.Ser299fs)

Gene: APC (APC regulator of Wnt signaling pathway; plus strand). Cytogenetic location: 5q22.2.
Variant type: Microsatellite.
Coding change: c.896_897del on transcript NM_000038.6 (MANE Select); coding-DNA positions 896 to 897, 2 bases deleted (CT; older notation c.896_897delCT).
Protein change: p.Ser299fs; shifts the reading frame from serine 299.
Molecular consequence: frameshift variant.
Genome position (GRCh38, 1-based): chr5:112,815,556-112,815,557, CT deleted; deleting any 2 consecutive bases within chr5:112,815,554-112,815,557 gives the same sequence; the c. name uses the placement nearest the transcript's 3' end. VCF-style (leftmost placement, unchanged base first): chr5-112815553-ACT-A. GRCh37 (hg19) VCF-style: chr5-112151250-ACT-A.
Other names: c.896_897delCT (NM_000038.6); c.896_897del, p.Ser299fs (NM_001127510.3, NM_001354895.2, NM_001354896.2 and 1 more transcripts); c.842_843del, p.Ser281fs (NM_001127511.3); c.926_927del, p.Ser309fs (NM_001354897.2, NM_001354902.2); c.821_822del, p.Ser274fs (NM_001354898.2, NM_001354904.2); c.812_813del, p.Ser271fs (NM_001354899.2); c.719_720del, p.Ser240fs (NM_001354900.2, NM_001354901.2, NM_001354905.2); c.47_48del, p.Ser16fs (NM_001354906.2); short protein forms S281fs, S16fs, S271fs, S274fs, S309fs, S299fs, S240fs.
Identifiers: ClinVar variation 42251 (VCV000042251.24), dbSNP rs397515735, ClinGen allele CA015634.
Genomic context (GRCh38, chr5:112,815,553, plus strand): 5'-AGGGTTCAACTACACGAATGGACCATGAAACAGCCAGTGTTTTGAGTTCTAGTAGCACAC[ACT>A]CTGCACCTCGAAGGCTGACAAGTCATCTGGGAACCAAGGTAACAGAAGATTACAAACCCT-3'